The following is an entry in ClinVar:

ClinVar aggregate classification (germline): Uncertain significance. Review status: criteria provided, multiple submitters, no conflicts (2 of 4 stars). 3 submissions from 3 submitters: Uncertain significance (3). Last evaluated 2023-04-11.

Conditions:
Microcephaly 5, primary, autosomal recessive (MCPH5). Also called: ASPM Primary Microcephaly. Identifiers: Orphanet 2512, MedGen C1837501, MONDO:0012106, OMIM 608716.

Allele frequency attached by ClinVar (database versions not stated): ExAC 0.00001; gnomAD 0.00001; gnomAD exomes 0.00001 and 0.00010; TOPMed 0.00003; ESP Exome Variant Server 0.00008.
gnomAD v4.1: 144 of 1,608,406 alleles (0.009%); highest among the groups gnomAD compares: Non-Finnish European, 0.012%; no homozygotes.

Submissions (3):

Genome-Nilou Lab
Classification: Uncertain significance for Microcephaly 5, primary, autosomal recessive. Last evaluated: 2023-04-11. Review status: criteria provided, single submitter. Criteria: ACMG Guidelines, 2015. Collection method: clinical testing. Allele origin: germline. Affected: no.

Labcorp Genetics (formerly Invitae), Labcorp
Classification: Uncertain significance. Last evaluated: 2021-12-13. Review status: criteria provided, single submitter. Criteria: Invitae Variant Classification Sherloc (09022015). Collection method: clinical testing. Allele origin: germline.
Comment: This sequence change replaces threonine, which is neutral and polar, with alanine, which is neutral and non-polar, at codon 1082 of the ASPM protein (p.Thr1082Ala). This variant is present in population databases (rs149330414, gnomAD 0.003%). This variant has not been reported in the literature in individuals affected with ASPM-related conditions. In summary, the available evidence is currently insufficient to determine the role of this variant in disease. Therefore, it has been classified as a Variant of Uncertain Significance. Algorithms developed to predict the effect of missense changes on protein structure and function output the following: SIFT: "Tolerated"; PolyPhen-2: "Benign"; Align-GVGD: "Class C0". The alanine amino acid residue is found in multiple mammalian species, which suggests that this missense change does not adversely affect protein function. ClinVar contains an entry for this variant (Variation ID: 874104).

Illumina Laboratory Services, Illumina
Classification: Uncertain significance for Microcephaly 5, primary, autosomal recessive. Last evaluated: 2018-01-12. Review status: criteria provided, single submitter. Criteria: ICSL Variant Classification Criteria 13 December 2019. Collection method: clinical testing. Allele origin: germline.

NM_018136.5(ASPM):c.3244A>G (p.Thr1082Ala)

Gene: ASPM (assembly factor for spindle microtubules; minus strand). Cytogenetic location: 1q31.3.
Variant type: single nucleotide variant.
Coding change: c.3244A>G on transcript NM_018136.5 (MANE Select); coding-DNA position 3244, A replaced by G.
Protein change: p.Thr1082Ala; replaces threonine 1082 with alanine.
Molecular consequence: missense variant.
Genome position (GRCh38, 1-based): chr1:197,124,256, T>C on the plus strand (A>G on the coding strand, the complement: ASPM is on the minus strand). VCF-style: chr1-197124256-T-C. GRCh37 (hg19) VCF-style: chr1-197093386-T-C.
Other names: c.3244A>G, p.Thr1082Ala (NM_001206846.2); short protein forms T1082A.
Identifiers: ClinVar variation 874104 (VCV000874104.9), dbSNP rs149330414, ClinGen allele CA1310216.
Genomic context (GRCh38, chr1:197,124,256, plus strand): 5'-CCCTTTTGCCTTTTTTCTTATTAATAAGATCATCAGAATGGCATGATAGTAGAGATATTG[T>C]TTTCTTTATACTCTTTGTGTGTTTTAGAAAGGCAATTTCTTCCTTTAATTGATCTAAGTT-3'
Protein context (NP_060606.3, residues 1072-1092): FLKHTKSIKK[Thr1082Ala]ISLLSCHSDD